The following is an entry in ClinVar:

ClinVar aggregate classification (germline): Likely benign (1 of 4 stars; one submission).

Conditions:
SMPD1-related disorder. Also called: SMPD1-related condition.

gnomAD v4.1: 3 of 1,613,084 alleles (0.00019%); highest among the groups gnomAD compares: African/African-American, 0.004%; no homozygotes.

Submission:

PreventionGenetics, part of Exact Sciences
Classification: Likely benign for SMPD1-related condition. Last evaluated: 2026-08-12. Review status: criteria provided, single submitter. Criteria: ACMG Guidelines, 2015. Collection method: clinical testing. Allele origin: germline.
Comment: This variant is classified as likely benign based on ACMG/AMP sequence variant interpretation guidelines (Richards et al. 2015 PMID: 25741868, with internal and published modifications).

NM_000543.5(SMPD1):c.48C>T (p.Gly16=)

Genes: SMPD1 (sphingomyelin phosphodiesterase 1; plus strand), LOC130005193 (ATAC-STARR-seq lymphoblastoid silent region 3099; plus strand). Cytogenetic location: 11p15.4.
Variant type: single nucleotide variant.
Coding change: c.48C>T on transcript NM_000543.5 (MANE Select); coding-DNA position 48, C replaced by T.
Protein change: p.Gly16=; no amino-acid change (glycine 16 retained).
Molecular consequence: synonymous variant. On other transcripts: 5 prime UTR variant (1), non-coding transcript variant (2).
Genome position (GRCh38, 1-based): chr11:6,390,646, C>T. VCF-style: chr11-6390646-C-T. GRCh37 (hg19) VCF-style: chr11-6411876-C-T.
Other names: c.48C>T, p.Gly16= (NM_001007593.3, NM_001318087.2, NM_001365135.2); c.-914C>T (NM_001318088.2).
Identifiers: ClinVar variation 4985391 (VCV004985391.1).